The following is an entry in ClinVar:

ClinVar aggregate classification (germline): Benign/Likely benign. Review status: criteria provided, multiple submitters, no conflicts (2 of 4 stars). 4 submissions from 2 submitters: Benign (2); Likely benign (2). Last evaluated 2018-01-13.

Conditions:
Leber congenital amaurosis 7 (LCA7). Identifiers: Orphanet 65, MedGen C3151192, MONDO:0013449, OMIM 613829.
Retinitis pigmentosa (RP). Identifiers: Orphanet 791, MedGen C0035334, MeSH D012174, MONDO:0019200, OMIM 268000. Inheritance: Autosomal dominant, autosomal recessive and X linked inheritance.
Cone-rod dystrophy 2 (CORD2). Also called: CONE-ROD RETINAL DYSTROPHY; Cone-rod retinal dystrophy 2. Identifiers: Orphanet 1872, MedGen C3489532, MONDO:0007362, OMIM 120970.

Allele frequency attached by ClinVar (database versions not stated): gnomAD exomes 0.00257 and 0.00071; 1000 Genomes Project 30x 0.00484; 1000 Genomes Project 0.00499; gnomAD 0.00083 and 0.00117; TOPMed 0.00145; ExAC 0.00240.

Submissions (4):

Illumina Laboratory Services, Illumina
Classification: Likely benign for Leber congenital amaurosis 7. Last evaluated: 2018-01-13. Review status: criteria provided, single submitter. Criteria: ICSL Variant Classification Criteria 13 December 2019. Collection method: clinical testing. Allele origin: germline.
Comment: This variant was observed in the ICSL laboratory as part of a predisposition screen in an ostensibly healthy population. It had not been previously curated by ICSL or reported in the Human Gene Mutation Database (HGMD: prior to June 1st, 2018), and was therefore a candidate for classification through an automated scoring system. Utilizing variant allele frequency, disease prevalence and penetrance estimates, and inheritance mode, an automated score was calculated to assess if this variant is too frequent to cause the disease. Based on the score and internal cut-off values, a variant classified as likely benign is not then subjected to further curation. The score for this variant resulted in a classification of likely benign for this disease.

Illumina Laboratory Services, Illumina
Classification: Benign for Retinitis pigmentosa. Last evaluated: 2018-01-13. Review status: criteria provided, single submitter. Criteria: ICSL Variant Classification Criteria 13 December 2019. Collection method: clinical testing. Allele origin: germline.
Comment: This variant was observed in the ICSL laboratory as part of a predisposition screen in an ostensibly healthy population. It had not been previously curated by ICSL or reported in the Human Gene Mutation Database (HGMD: prior to June 1st, 2018), and was therefore a candidate for classification through an automated scoring system. Utilizing variant allele frequency, disease prevalence and penetrance estimates, and inheritance mode, an automated score was calculated to assess if this variant is too frequent to cause the disease. Based on the score and internal cut-off values, a variant classified as benign is not then subjected to further curation. The score for this variant resulted in a classification of benign for this disease.

Illumina Laboratory Services, Illumina
Classification: Benign for Cone-rod dystrophy 2. Last evaluated: 2018-01-13. Review status: criteria provided, single submitter. Criteria: ICSL Variant Classification Criteria 13 December 2019. Collection method: clinical testing. Allele origin: germline.
Comment: the same text as in the submission from Illumina Laboratory Services, Illumina above.

Breakthrough Genomics
Classification: Likely benign. Review status: criteria provided, single submitter. Criteria: ACMG Guidelines, 2015. Collection method: not provided. Allele origin: germline. Inheritance: Autosomal dominant inheritance. Affected: yes.

NM_000554.6(CRX):c.*19C>T

Gene: CRX (cone-rod homeobox; plus strand). Cytogenetic location: 19q13.33.
Variant type: single nucleotide variant.
Coding change: c.*19C>T on transcript NM_000554.6 (MANE Select); 19 bases downstream of the stop codon, C replaced by T.
Molecular consequence: 3 prime UTR variant.
Genome position (GRCh38, 1-based): chr19:47,839,986, C>T. VCF-style: chr19-47839986-C-T. GRCh37 (hg19) VCF-style: chr19-48343243-C-T.
Identifiers: ClinVar variation 329701 (VCV000329701.6), dbSNP rs79186398, ClinGen allele CA9544595.
Genomic context (GRCh38, chr19:47,839,986, plus strand): 5'-GACTACAAGGATCAGAGTGCCTGGAAGTTTCAGATCTTGTAGAGGACGCAGTCTCCATCT[C>T]TCTCCATCGGGCCTCGGGACCCTTTCTCTTCTGAATCTGCTTCCCTGCAGTTTAGATCCC-3'